The following is an entry in ClinVar:

ClinVar aggregate classification (germline): Pathogenic. Review status: criteria provided, multiple submitters, no conflicts (2 of 4 stars). 5 submissions from 5 submitters: Pathogenic (5). Last evaluated 2025-07-18.

Conditions:
Hereditary cancer-predisposing syndrome. Also called: Neoplastic Syndromes, Hereditary; Hereditary neoplastic syndrome; Tumor predisposition; Hereditary Cancer Syndrome. Identifiers: Orphanet 140162, MedGen C0027672, MeSH D009386, MONDO:0015356.
Ataxia-telangiectasia syndrome (AT). Also called: Ataxia-telangiectasia, complementation group E; Ataxia telangiectasia (A-T); LOUIS-BAR SYNDROME; Ataxia-telangiectasia, complementation group D; AT, COMPLEMENTATION GROUP C; Ataxia-telangiectasia. Identifiers: Orphanet 100, MedGen C0004135, MONDO:0008840, OMIM 208900.
Familial cancer of breast. Also called: BREAST CANCER, FAMILIAL; hereditary breast carcinoma; Hereditary breast cancer. Identifiers: Orphanet 227535, MedGen C0346153, MONDO:0016419, OMIM 114480. Disease mechanism: loss of function.

Submissions (5):

Labcorp Genetics (formerly Invitae), Labcorp
Classification: Pathogenic for Ataxia-telangiectasia syndrome. Last evaluated: 2025-07-18. Review status: criteria provided, single submitter. Criteria: Invitae Variant Classification Sherloc (09022015). Collection method: clinical testing. Allele origin: germline.
Comment: This sequence change creates a premature translational stop signal (p.Ile124Glyfs*8) in the ATM gene. It is expected to result in an absent or disrupted protein product. Loss-of-function variants in ATM are known to be pathogenic (PMID: 23807571, 25614872). This variant is not present in population databases (gnomAD no frequency). This premature translational stop signal has been observed in individual(s) with ataxia-telangiectasia (PMID: 10817650). ClinVar contains an entry for this variant (Variation ID: 835684). RNA analysis performed to evaluate the impact of this premature translational stop signal on mRNA splicing indicates it does not significantly alter splicing (internal data). For these reasons, this variant has been classified as Pathogenic.

Myriad Genetics, Inc.
Classification: Pathogenic for Familial cancer of breast. Last evaluated: 2024-01-09. Review status: criteria provided, single submitter. Criteria: Myriad Autosomal Dominant, Autosomal Recessive and X-Linked Classification Criteria (2023). Collection method: clinical testing. Allele origin: unknown.
Comment: This variant is considered pathogenic. This variant creates a frameshift predicted to result in premature protein truncation.

Ambry Genetics
Classification: Pathogenic for Hereditary cancer-predisposing syndrome. Last evaluated: 2023-07-13. Review status: criteria provided, single submitter. Criteria: Ambry Variant Classification Scheme 2023. Collection method: clinical testing. Allele origin: germline.
Comment: The c.370_374delATCAT pathogenic mutation, located in coding exon 4 of the ATM gene, results from a deletion of 5 nucleotides at nucleotide positions 370 to 374, causing a translational frameshift with a predicted alternate stop codon (p.I124Gfs*8). This mutation has been identified in a cohort of patients with ataxia-telangiectasia (Li A et al. Am J Med Genet, 2000 May;92:170-7). In addition to the clinical data presented in the literature, this alteration is expected to result in loss of function by premature protein truncation or nonsense-mediated mRNA decay. As such, this alteration is interpreted as a disease-causing mutation.

GeneDx
Classification: Pathogenic. Last evaluated: 2022-12-28. Review status: criteria provided, single submitter. Criteria: GeneDx Variant Classification Process June 2021. Collection method: clinical testing. Allele origin: germline. Affected: yes.
Comment: Frameshift variant predicted to result in nonsense mediated decay in a gene for which loss of function is a known mechanism of disease; Not observed at significant frequency in large population cohorts (gnomAD); Truncating variants in this gene are considered pathogenic by a well-established clinical consortium and/or database; Identified in a patient with ataxia-telangiectasia (Li and Swift, 2000); This variant is associated with the following publications: (PMID: 10817650)

Women's Health and Genetics/Laboratory Corporation of America, LabCorp
Classification: Pathogenic for Ataxia-telangiectasia syndrome. Last evaluated: 2021-11-07. Review status: criteria provided, single submitter. Criteria: LabCorp Variant Classification Summary - May 2015. Collection method: clinical testing. Allele origin: germline.
Comment: Variant summary: ATM c.370_374delATCAT (p.Ile124GlyfsX8) results in a premature termination codon, predicted to cause a truncation of the encoded protein or absence of the protein due to nonsense mediated decay, which are commonly known mechanisms for disease. Truncations downstream of this position have been classified as pathogenic by our laboratory. The variant was absent in 251154 control chromosomes. c.370_374delATCAT has been reported in the literature in individuals affected with Ataxia-Telangiectasia (example, Li_2000). One clinical diagnostic laboratory has submitted clinical-significance assessments for this variant to ClinVar after 2014 without evidence for independent evaluation and classified the variant as pathogenic. Based on the evidence outlined above, the variant was classified as pathogenic.

Literature cited by the submitters: PubMed 23807571 (cited by Labcorp Genetics (formerly Invitae), Labcorp); PubMed 25614872 (cited by Labcorp Genetics (formerly Invitae), Labcorp); PubMed 10817650 (cited by 3 submitters).

NM_000051.4(ATM):c.370_374del (p.Ile124fs)

Gene: ATM (ATM serine/threonine kinase; plus strand). Cytogenetic location: 11q22.3.
Variant type: Deletion.
Coding change: c.370_374del on transcript NM_000051.4 (MANE Select); coding-DNA positions 370 to 374, 5 bases deleted (ATCAT; older notation c.370_374delATCAT).
Protein change: p.Ile124fs; shifts the reading frame from isoleucine 124.
Molecular consequence: frameshift variant.
Genome position (GRCh38, 1-based): chr11:108,235,708-108,235,712, ATCAT deleted; deleting any 5 consecutive bases within chr11:108,235,706-108,235,712 gives the same sequence; the c. name uses the placement nearest the transcript's 3' end. VCF-style (leftmost placement, unchanged base first): chr11-108235705-TATATC-T. GRCh37 (hg19) VCF-style: chr11-108106432-TATATC-T.
Other names: c.370_374del, p.Ile124fs (NM_001351834.2); c.370_374delATCAT (NM_000051.3); short protein forms I124fs.
Identifiers: ClinVar variation 835684 (VCV000835684.11), dbSNP rs2079237399, ClinGen allele CA916080442.